The following is an entry in ClinVar:

NM_001999.4(FBN2):c.3709C>A (p.Arg1237Ser)

Gene: FBN2 (fibrillin 2; minus strand). Cytogenetic location: 5q23.3.
Variant type: single nucleotide variant.
Coding change: c.3709C>A on transcript NM_001999.4 (MANE Select); coding-DNA position 3709, C replaced by A.
Protein change: p.Arg1237Ser; replaces arginine 1237 with serine.
Molecular consequence: missense variant.
Genome position (GRCh38, 1-based): chr5:128,336,003, G>T on the plus strand (C>A on the coding strand, the complement: FBN2 is on the minus strand). VCF-style: chr5-128336003-G-T. GRCh37 (hg19) VCF-style: chr5-127671695-G-T.
Other names: short protein forms R1237S.
Identifiers: ClinVar variation 213400 (VCV000213400.2), dbSNP rs746570981, ClinGen allele CA319921.

ClinVar aggregate classification (germline): Uncertain significance (1 of 4 stars; one submission).

gnomAD v4.1: 1 of 1,614,030 alleles (0.000062%); highest among the groups gnomAD compares: Non-Finnish European, 0.000085%; no homozygotes.

Submission:

GeneDx
Classification: Uncertain significance. Last evaluated: 2015-02-13. Review status: criteria provided, single submitter. Criteria: GeneDx Variant Classification (06012015). Collection method: clinical testing. Allele origin: germline. Affected: yes.
Comment: p.Arg1237Ser (CGC>AGC): c.3709 C>A in exon 28 of the FBN2 gene (NM_001999.3) The R1237S variant has not been published as a mutation, nor has it been reported as a benign polymorphism to our knowledge. The R1237S variant was not observed in approximately 6,500 individuals of European and African American ancestry in the NHLBI Exome Sequencing Project, indicating it is not a common benign variant in these populations. The R1237S variant is a semi-conservative amino acid substitution, which may impact secondary protein structure as these residues differ in some properties. In silico analysis predicts this variant is probably damaging to the protein structure/function. This substitution occurs at a position within the 18th calcium-binding EGF-like domain that is conserved across species. Missense mutations in nearby residues (C1240R, C1246G) have been reported in association with CCA. However, since Cysteine substitutions in the calcium-binding EGF-like domains are more likely to be pathogenic due to disruption of disulfide bonding, the protein may be tolerant of the R1237S change. Therefore, based on the currently available information, it is unclear whether this variant is a pathogenic mutation or a rare benign variant.This variant was found in TAADV2-1